The following is an entry in ClinVar:

NM_000444.6(PHEX):c.2248T>G (p.Ter750Glu)

Genes: PHEX (phosphate regulating endopeptidase X-linked; plus strand), PTCHD1-AS (PTCHD1 and PHEX antisense RNA; minus strand). Cytogenetic location: Xp22.11.
Variant type: single nucleotide variant.
Coding change: c.2248T>G on transcript NM_000444.6 (MANE Select); coding-DNA position 2248, T replaced by G.
Protein change: p.Ter750Glu.
Molecular consequence: stop lost. On other transcripts: 3 prime UTR variant (1).
Genome position (GRCh38, 1-based): chrX:22,247,951, T>G. VCF-style: chrX-22247951-T-G. GRCh37 (hg19) VCF-style: chrX-22266068-T-G.
Other names: c.*83T>G (NM_001282754.2).
Identifiers: ClinVar variation 1705687 (VCV001705687.1), dbSNP rs2147217463, ClinGen allele CA412575574.

ClinVar aggregate classification (germline): Uncertain significance (1 of 4 stars; one submission).

Conditions:
Familial X-linked hypophosphatemic vitamin D refractory rickets (XLHRD). Also called: X-Linked Hypophosphatemia; Hypophosphatemic Rickets, X-Linked Dominant; HYPOPHOSPHATEMIC VITAMIN D-RESISTANT RICKETS; Hypophosphatemia, vitamin D-resistant rickets; Vitamin D-resistant rickets, X-linked. Identifiers: Orphanet 89936, MedGen C0733682, MONDO:0010619, OMIM 307800.

Submission:

3billion
Classification: Uncertain significance for Familial X-linked hypophosphatemic vitamin D refractory rickets. Last evaluated: 2022-09-01. Review status: criteria provided, single submitter. Criteria: ACMG Guidelines, 2015. Collection method: clinical testing. Allele origin: germline. Affected: yes. Observed: 1 hemizygote.
Comment: The variant is not observed in the gnomAD v2.1.1 dataset. Stop lost variant. The evidence of pathogenicity is insufficient at this time. Therefore, this variant is classified as uncertain significance according to the recommendation of ACMG/AMP guideline.